The following is an entry in ClinVar:

NM_015425.6(POLR1A):c.592G>A (p.Ala198Thr)

Gene: POLR1A (RNA polymerase I subunit A; minus strand). Cytogenetic location: 2p11.2.
Variant type: single nucleotide variant.
Coding change: c.592G>A on transcript NM_015425.6 (MANE Select); coding-DNA position 592, G replaced by A.
Protein change: p.Ala198Thr; replaces alanine 198 with threonine.
Molecular consequence: missense variant.
Genome position (GRCh38, 1-based): chr2:86,088,819, C>T on the plus strand (G>A on the coding strand, the complement: POLR1A is on the minus strand). VCF-style: chr2-86088819-C-T. GRCh37 (hg19) VCF-style: chr2-86315942-C-T.
Other names: short protein forms A198T.
Identifiers: ClinVar variation 4737451 (VCV004737451.1).

ClinVar aggregate classification (germline): Uncertain significance (1 of 4 stars; one submission).

Submission:

Labcorp Genetics (formerly Invitae), Labcorp
Classification: Uncertain significance. Last evaluated: 2025-07-14. Review status: criteria provided, single submitter. Criteria: Invitae Variant Classification Sherloc (09022015). Collection method: clinical testing. Allele origin: germline.
Comment: This sequence change replaces alanine, which is neutral and non-polar, with threonine, which is neutral and polar, at codon 198 of the POLR1A protein (p.Ala198Thr). This variant is not present in population databases (gnomAD no frequency). This variant has not been reported in the literature in individuals affected with POLR1A-related conditions. Invitae Evidence Modeling of protein sequence and biophysical properties (such as structural, functional, and spatial information, amino acid conservation, physicochemical variation, residue mobility, and thermodynamic stability) indicates that this missense variant is not expected to disrupt POLR1A protein function with a negative predictive value of 80%. In summary, the available evidence is currently insufficient to determine the role of this variant in disease. Therefore, it has been classified as a Variant of Uncertain Significance.